The following is an entry in ClinVar:

ClinVar aggregate classification (germline): Uncertain significance (1 of 4 stars; one submission).

gnomAD v4.1: 1 of 1,612,908 alleles (0.000062%); highest among the groups gnomAD compares: Non-Finnish European, 0.000085%; no homozygotes.

Submission:

Ambry Genetics
Classification: Uncertain significance. Last evaluated: 2024-05-20. Review status: criteria provided, single submitter. Criteria: Ambry Variant Classification Scheme 2023. Collection method: clinical testing. Allele origin: germline.
Comment: The p.F2534S variant (also known as c.7601T>C), located in coding exon 29 of the POLQ gene, results from a T to C substitution at nucleotide position 7601. The phenylalanine at codon 2534 is replaced by serine, an amino acid with highly dissimilar properties. This amino acid position is conserved. In addition, this alteration is predicted to be deleterious by in silico analysis. Based on the available evidence, the clinical significance of this variant remains unclear.

NM_199420.4(POLQ):c.7601T>C (p.Phe2534Ser)

Gene: POLQ (DNA polymerase theta; minus strand). Cytogenetic location: 3q13.33.
Variant type: single nucleotide variant.
Coding change: c.7601T>C on transcript NM_199420.4 (MANE Select); coding-DNA position 7601, T replaced by C.
Protein change: p.Phe2534Ser; replaces phenylalanine 2534 with serine.
Molecular consequence: missense variant.
Genome position (GRCh38, 1-based): chr3:121,432,976, A>G on the plus strand (T>C on the coding strand, the complement: POLQ is on the minus strand). VCF-style: chr3-121432976-A-G. GRCh37 (hg19) VCF-style: chr3-121151823-A-G.
Other names: short protein forms F2534S.
Identifiers: ClinVar variation 3308552 (VCV003308552.1).